The following is an entry in ClinVar:

NM_018896.5(CACNA1G):c.6338C>A (p.Thr2113Asn)

Gene: CACNA1G (calcium voltage-gated channel subunit alpha1 G; plus strand). Cytogenetic location: 17q21.33.
Variant type: single nucleotide variant.
Coding change: c.6338C>A on transcript NM_018896.5 (MANE Select); coding-DNA position 6338, C replaced by A.
Protein change: p.Thr2113Asn; replaces threonine 2113 with asparagine.
Molecular consequence: missense variant. On other transcripts: non-coding transcript variant (5).
Genome position (GRCh38, 1-based): chr17:50,624,468, C>A. VCF-style: chr17-50624468-C-A. GRCh37 (hg19) VCF-style: chr17-48701829-C-A.
Other names: c.6149C>A, p.Thr2050Asn (NM_001256324.2); c.6080C>A, p.Thr2027Asn (NM_001256325.2); c.6068C>A, p.Thr2023Asn (NM_001256326.2); c.6038C>A, p.Thr2013Asn (NM_001256327.2); c.5984C>A, p.Thr1995Asn (NM_001256328.2); c.5957C>A, p.Thr1986Asn (NM_001256329.2, NM_198376.3, NM_198387.3); c.5924C>A, p.Thr1975Asn (NM_001256330.2); c.5903C>A, p.Thr1968Asn (NM_001256331.2); and 15 more; short protein forms T2113N, T1979N, T1993N, T1997N, T2002N, T2023N, T2102N, T1986N.
Identifiers: ClinVar variation 424278 (VCV000424278.2), dbSNP rs1064796895, ClinGen allele CA16620482.
Genomic context (GRCh38, chr17:50,624,468, plus strand): 5'-TGCAGCTTCCCAAAGATGCACCTCATCTGCTCCAGCCCCACAGCGCCCCAACCTGGGGCA[C>A]CATCCCCAAACTGCCCCCACCAGGACGCTCCCCTTTGGCTCAGAGGCCACTCAGGCGCCA-3'
Protein context (NP_061496.2, residues 2103-2123): LQPHSAPTWG[Thr2113Asn]IPKLPPPGRS

ClinVar aggregate classification (germline): Uncertain significance (1 of 4 stars; one submission).

Allele frequency attached by ClinVar (database versions not stated): gnomAD exomes below 0.00001; TOPMed below 0.00001; gnomAD 0.00001.
gnomAD v4.1: 5 of 1,601,006 alleles (0.00031%); highest among the groups gnomAD compares: African/African-American, 0.0027%; no homozygotes.

Submission:

GeneDx
Classification: Uncertain significance. Last evaluated: 2017-03-22. Review status: criteria provided, single submitter. Criteria: GeneDx Variant Classification (06012015). Collection method: clinical testing. Allele origin: germline. Affected: yes.
Comment: The T2113N variant in the CACNA1G gene has not been reported previously as a pathogenic variant, nor as a benign variant, to our knowledge. This variant is not observed in large population cohorts (Lek et al., 2016; 1000 Genomes Consortium et al., 2015; Exome Variant Server). The T2113N variant is a conservative amino acid substitution, which is not likely to impact secondary protein structure as these residues share similar properties. This substitution occurs at a position that is not conserved. In silico analysis is inconsistent in its predictions as to whether or not the variant is damaging to the protein structure/function. We interpret T2113N as a variant of uncertain significance.